The following is an entry in ClinVar:

ClinVar aggregate classification (germline): Conflicting classifications of pathogenicity. Review status: criteria provided, conflicting classifications (1 of 4 stars). 4 submissions from 4 submitters: Uncertain significance (1); Likely benign (3). Last evaluated 2025-10-26.

Conditions:
Gorlin syndrome. Also called: Basal cell nevus syndrome; Nevoid Basal Cell Carcinoma Syndrome. Identifiers: Orphanet 377, MedGen C0004779, MONDO:0007187.
Hereditary cancer-predisposing syndrome. Also called: Neoplastic Syndromes, Hereditary; Tumor predisposition; Hereditary neoplastic syndrome; Hereditary Cancer Syndrome. Identifiers: Orphanet 140162, MedGen C0027672, MeSH D009386, MONDO:0015356.

Allele frequency attached by ClinVar (database versions not stated): gnomAD exomes 0.00001; ExAC 0.00002.
gnomAD v4.1: 12 of 1,614,148 alleles (0.00074%); highest among the groups gnomAD compares: South Asian, 0.0011%; no homozygotes.

Submissions (4):

Labcorp Genetics (formerly Invitae), Labcorp
Classification: Likely benign for Gorlin syndrome. Last evaluated: 2025-10-26. Review status: criteria provided, single submitter. Criteria: Invitae Variant Classification Sherloc (09022015). Collection method: clinical testing. Allele origin: germline.

GeneDx
Classification: Uncertain significance. Last evaluated: 2022-05-31. Review status: criteria provided, single submitter. Criteria: GeneDx Variant Classification Process June 2021. Collection method: clinical testing. Allele origin: germline. Affected: yes.
Comment: Not observed at significant frequency in large population cohorts (gnomAD); Has not been previously published as pathogenic or benign to our knowledge; In silico analysis suggests this variant may impact gene splicing. In the absence of RNA/functional studies, the actual effect of this sequence change is unknown.

Sema4
Classification: Likely benign for Hereditary cancer-predisposing syndrome. Last evaluated: 2021-07-20. Review status: criteria provided, single submitter. Criteria: Sema4 Curation Guidelines. Collection method: curation. Allele origin: germline.

Ambry Genetics
Classification: Likely benign for Hereditary cancer-predisposing syndrome. Last evaluated: 2019-02-14. Review status: criteria provided, single submitter. Criteria: Ambry Variant Classification Scheme 2023. Collection method: clinical testing. Allele origin: germline.

NM_000264.5(PTCH1):c.1218G>A (p.Val406=)

Gene: PTCH1 (patched 1; minus strand). Cytogenetic location: 9q22.32.
Variant type: single nucleotide variant.
Coding change: c.1218G>A on transcript NM_000264.5 (MANE Select); coding-DNA position 1218, G replaced by A.
Protein change: p.Val406=; no amino-acid change (valine 406 retained).
Molecular consequence: synonymous variant. On other transcripts: non-coding transcript variant (1).
Genome position (GRCh38, 1-based): chr9:95,478,184, C>T on the plus strand (G>A on the coding strand, the complement: PTCH1 is on the minus strand). VCF-style: chr9-95478184-C-T. GRCh37 (hg19) VCF-style: chr9-98240466-C-T.
Other names: c.1020G>A, p.Val340= (NM_001083602.3); c.1215G>A, p.Val405= (NM_001083603.3); c.765G>A, p.Val255= (NM_001083604.3, NM_001083605.3, NM_001083606.3 and 1 more transcripts); c.1218G>A, p.Val406= (NM_001354918.2).
Identifiers: ClinVar variation 524621 (VCV000524621.22), dbSNP rs753586235, ClinGen allele CA5138718.
Genomic context (GRCh38, chr9:95,478,184, plus strand): 5'-GGTCGTGGTGGTGAAGGAAAGCACCTTTTGAGTGGAGTTCTGTGCGACACTCTGATGAAC[C>T]ACCTGTGGTCACAACAGAATGCGAAATGCCCAAATGCAATGAACACTTCCACAAGCCTCG-3'
Protein context (NP_000255.2, residues 396-416): LEAWQRTYVE[Val406=]VHQSVAQNST